The following is an entry in ClinVar:

ClinVar aggregate classification (germline): Uncertain significance (1 of 4 stars; one submission).

Conditions:
Intellectual developmental disorder, autosomal dominant 66. Also called: MENTAL RETARDATION, AUTOSOMAL DOMINANT 66. Identifiers: MedGen C5677000, MONDO:0030891, OMIM 619910.

Submission:

OLLIN Analises Genomicas, OLLIN
Classification: Uncertain significance for Intellectual developmental disorder, autosomal dominant 66. Last evaluated: 2026-08-06. Review status: criteria provided, single submitter. Criteria: ACMG Guidelines 2015 PMID 25741868. Collection method: clinical testing. Allele origin: germline. Inheritance: Autosomal dominant inheritance.
Comment: This missense variant, located in exon 4 (of 21), is absent from gnomAD and ClinVar and has not been identified in the literature. In silico analysis predicts that this variant has a deleterious effect. This gene is constrained for missense variation. According to the currently available evidence, this variant has been classified as uncertain significance (PM2_P, PP3, PP2).

NM_001366521.1(ATP2B1):c.427G>T (p.Gly143Trp)

Gene: ATP2B1 (ATPase plasma membrane Ca2+ transporting 1; minus strand). Cytogenetic location: 12q21.33.
Variant type: single nucleotide variant.
Coding change: c.427G>T on transcript NM_001366521.1 (MANE Select); coding-DNA position 427, G replaced by T.
Protein change: p.Gly143Trp; replaces glycine 143 with tryptophan.
Molecular consequence: missense variant. On other transcripts: non-coding transcript variant (3), intron variant (7).
Genome position (GRCh38, 1-based): chr12:89,635,231, C>A on the plus strand (G>T on the coding strand, the complement: ATP2B1 is on the minus strand). VCF-style: chr12-89635231-C-A. GRCh37 (hg19) VCF-style: chr12-90029008-C-A.
Other names: c.427G>T, p.Gly143Trp (NM_001001323.2, NM_001366520.1, NM_001366522.1 and 17 more transcripts); c.229G>T, p.Gly77Trp (NM_001366530.1, NM_001413053.1); c.406+6927G>T (NM_001413060.1, NM_001366531.1, NM_001413058.1 and 2 more transcripts); c.407-328G>T (NM_001413056.1); c.209-328G>T (NM_001413057.1); short protein forms G77W, G143W.
Identifiers: ClinVar variation 5002800 (VCV005002800.1).